The following is an entry in ClinVar:

ClinVar aggregate classification (germline): Uncertain significance (1 of 4 stars; one submission).

Conditions:
Acute myeloid leukemia (AML). Also called: Acute myeloid leukemia, adult; AML adult; Acute non-lymphocytic leukemia; Acute granulocytic leukemia; Leukemia, acute myeloid, somatic; Leukemia, acute myelogenous, somatic. Identifiers: Orphanet 519, MedGen C0023467, MeSH D015470, MONDO:0018874, OMIM 601626, HP:0004808. Disease mechanism: Constitutively activated FLT3.

Submission:

Labcorp Genetics (formerly Invitae), Labcorp
Classification: Uncertain significance for Acute myeloid leukemia. Last evaluated: 2022-07-09. Review status: criteria provided, single submitter. Criteria: Invitae Variant Classification Sherloc (09022015). Collection method: clinical testing. Allele origin: germline.
Comment: In summary, the available evidence is currently insufficient to determine the role of this variant in disease. Therefore, it has been classified as a Variant of Uncertain Significance. Algorithms developed to predict the effect of missense changes on protein structure and function (SIFT, PolyPhen-2, Align-GVGD) all suggest that this variant is likely to be tolerated. This variant has not been reported in the literature in individuals affected with CEBPA-related conditions. This variant is not present in population databases (gnomAD no frequency). This sequence change replaces phenylalanine, which is neutral and non-polar, with valine, which is neutral and non-polar, at codon 106 of the CEBPA protein (p.Phe106Val).

NM_004364.5(CEBPA):c.316T>G (p.Phe106Val)

Gene: CEBPA (CCAAT enhancer binding protein alpha; minus strand). Cytogenetic location: 19q13.11.
Variant type: single nucleotide variant.
Coding change: c.316T>G on transcript NM_004364.5 (MANE Select); coding-DNA position 316, T replaced by G.
Protein change: p.Phe106Val; replaces phenylalanine 106 with valine.
Molecular consequence: missense variant. On other transcripts: 5 prime UTR variant (1).
Genome position (GRCh38, 1-based): chr19:33,302,099, A>C on the plus strand (T>G on the coding strand, the complement: CEBPA is on the minus strand). VCF-style: chr19-33302099-A-C. GRCh37 (hg19) VCF-style: chr19-33793005-A-C.
Other names: c.-42T>G (NM_001285829.2); c.421T>G, p.Phe141Val (NM_001287424.2); c.274T>G, p.Phe92Val (NM_001287435.2); short protein forms F106V, F141V, F92V.
Identifiers: ClinVar variation 2001822 (VCV002001822.4), dbSNP rs1967189869, ClinGen allele CA405275207.